The following is an entry in ClinVar:

NM_138927.4(SON):c.384del (p.Lys128fs)

Gene: SON (SON DNA and RNA binding protein; plus strand). Cytogenetic location: 21q22.11.
Variant type: Deletion.
Coding change: c.384del on transcript NM_138927.4 (MANE Select); coding-DNA position 384, one base deleted (A; older notation c.384delA).
Protein change: p.Lys128fs; shifts the reading frame from lysine 128.
Molecular consequence: frameshift variant. On other transcripts: non-coding transcript variant (1), intron variant (1).
Genome position (GRCh38, 1-based): chr21:33,549,615, A deleted; the last of 8 consecutive A bases (chr21:33,549,608-33,549,615); deleting any one gives the same sequence. VCF-style (leftmost placement, unchanged base first): chr21-33549607-GA-G. GRCh37 (hg19) VCF-style: chr21-34921913-GA-G.
Other names: c.384delA (NM_032195.2); c.384del, p.Lys128fs (NM_001291411.2, NM_032195.3); c.244+3236del (NM_001291412.3); c.384del (NM_032195.2); short protein forms K128fs.
Identifiers: ClinVar variation 631519 (VCV000631519.8), dbSNP rs778418096, ClinGen allele CA10008660.
Genomic context (GRCh38, chr21:33,549,607, plus strand): 5'-AAAAAGTCAAAGAAGCATAAAAAGCACAAAAACAAAAAGAAGAAAAAGAAGAAAGAAAAG[GA>G]AAAAAAATATAAAAGACAGCCAGAAGAATCTGAGTCAAAGACGAAATCTCATGATGATGG-3'

ClinVar aggregate classification (germline): Pathogenic. Review status: criteria provided, multiple submitters, no conflicts (2 of 4 stars). 6 submissions from 6 submitters: Pathogenic (5). 1 of the submissions does not count toward it. Last evaluated 2023-06-19.

Conditions:
Inborn genetic diseases. Identifiers: MedGen C0950123, MeSH D030342.
ZTTK syndrome (ZTTKS). Also called: ZTTK MULTIPLE CONGENITAL ANOMALIES-MENTAL RETARDATION SYNDROME; Zhu-Tokita-Takenouchi-Kim Syndrome. Identifiers: Orphanet 500150, MedGen C4310696, MONDO:0014936, OMIM 617140.

Submissions (6):

3billion
Classification: Pathogenic for ZTTK syndrome. Last evaluated: 2023-06-19. Review status: criteria provided, single submitter. Criteria: ACMG Guidelines, 2015. Collection method: clinical testing. Allele origin: germline. Affected: yes.
Comment: It is observed in the gnomAD v2.1.1 dataset at total allele frequency of 0.004%. However, because this variant is located in low complexity region, frequency data for this variant in the general population is considered uninformative in assessment of variant pathogenicity. Predicted Consequence/Location: Frameshift: predicted to result in a loss or disruption of normal protein function through nonsense-mediated decay (NMD) or protein truncation. Multiple pathogenic variants are reported downstream of the variant. The variant has been reported at least twice as pathogenic with clinical assertions and evidence for the classification (ClinVar ID: VCV000631519 /PMID: 34521999). Therefore, this variant is classified as Pathogenic according to the recommendation of ACMG/AMP guideline.

GeneDx
Classification: Pathogenic. Last evaluated: 2022-12-09. Review status: criteria provided, single submitter. Criteria: GeneDx Variant Classification Process June 2021. Collection method: clinical testing. Allele origin: germline. Affected: yes.
Comment: Frameshift variant predicted to result in protein truncation or nonsense mediated decay in a gene for which loss-of-function is a known mechanism of disease; This variant is associated with the following publications: (PMID: Peng2021[CaseReport], 34521999)

Mendelics
Classification: Pathogenic for ZTTK syndrome. Last evaluated: 2022-05-04. Review status: criteria provided, single submitter. Criteria: Mendelics Assertion Criteria 2019. Collection method: clinical testing. Allele origin: germline.

Baylor Genetics
Classification: Pathogenic for ZTTK syndrome. Last evaluated: 2019-02-15. Review status: criteria provided, single submitter. Criteria: ACMG Guidelines, 2015. Collection method: clinical testing. Allele origin: de novo. Affected: yes.
Comment: This variant was determined to be pathogenic according to ACMG Guidelines, 2015 [PMID:25741868].

Ambry Genetics
Classification: Pathogenic for Inborn genetic diseases. Last evaluated: 2018-12-19. Review status: criteria provided, single submitter. Criteria: Ambry exome assertion method (8-5-2015). Collection method: clinical testing. Allele origin: germline. Affected: yes. Observed: 1 variant allele.

Institute of Human Genetics, Cologne University
Classification: Pathogenic for ZTTK syndrome. Review status: no assertion criteria provided. Collection method: clinical testing. Allele origin: de novo. Inheritance: Autosomal dominant inheritance. Affected: yes. Observed: 1 heterozygote. Not counted in ClinVar's aggregate classification.

Literature cited by the submitters: PubMed 34521999 (cited by 3billion).